The following is an entry in ClinVar:

ClinVar aggregate classification (germline): Uncertain significance (1 of 4 stars; one submission).

Conditions:
GNAS-related disorder. Identifiers: MedGen CN380105.

Allele frequency attached by ClinVar (database versions not stated): TOPMed 0.00002; ExAC 0.00001; gnomAD 0.00001.
gnomAD v4.1: 14 of 1,612,064 alleles (0.00087%); highest among the groups gnomAD compares: Admixed American, 0.012%; no homozygotes.

Submission:

PreventionGenetics, part of Exact Sciences
Classification: Uncertain significance for GNAS-related condition. Last evaluated: 2026-07-08. Review status: criteria provided, single submitter. Criteria: ACMG Guidelines, 2015. Collection method: clinical testing. Allele origin: germline.
Comment: The GNAS c.629G>A variant is predicted to result in the amino acid substitution p.Arg210His. Of note, in the primary transcript (NM_000516.5) this variant is pre-coding (c.-37646G>A). To our knowledge, this variant has not been reported in the literature. This variant is reported in 0.012% of alleles in individuals of Latino descent in gnomAD. Although we suspect that this variant may be benign, at this time, the clinical significance of this variant is uncertain due to the absence of conclusive functional and genetic evidence.

NM_080425.4(GNAS):c.816G>A (p.Ala272=)

Gene: GNAS (GNAS complex locus; plus strand). Cytogenetic location: 20q13.32.
Variant type: single nucleotide variant.
Coding change: c.816G>A on transcript NM_080425.4 (MANE Plus Clinical); coding-DNA position 816, G replaced by A.
Protein change: p.Ala272=; no amino-acid change (alanine 272 retained).
Molecular consequence: synonymous variant. On other transcripts: missense variant (2), intron variant (3).
Genome position (GRCh38, 1-based): chr20:58,854,081, G>A. VCF-style: chr20-58854081-G-A. GRCh37 (hg19) VCF-style: chr20-57429136-G-A.
Other names: c.629G>A, p.Arg210His (NM_001077490.3, NM_001309883.1); c.816G>A, p.Ala272= (NM_001410913.1); c.*42+13195G>A (NM_016592.5); c.43+13195G>A (NM_001410912.1); c.-39+12206G>A (NM_001309861.2); short protein forms R210H.
Identifiers: ClinVar variation 2634047 (VCV002634047.2), dbSNP rs748086288, ClinGen allele CA9926561.